The following is an entry in ClinVar:

NM_058216.3(RAD51C):c.410A>C (p.Gln137Pro)

Gene: RAD51C (RAD51 paralog C; plus strand). Cytogenetic location: 17q22.
Variant type: single nucleotide variant.
Coding change: c.410A>C on transcript NM_058216.3 (MANE Select); coding-DNA position 410, A replaced by C.
Protein change: p.Gln137Pro; replaces glutamine 137 with proline.
Molecular consequence: missense variant.
Genome position (GRCh38, 1-based): chr17:58,696,698, A>C. VCF-style: chr17-58696698-A-C. GRCh37 (hg19) VCF-style: chr17-56774059-A-C.
Other names: c.410A>C (LRG_314t1); short protein forms Q137P.
Identifiers: ClinVar variation 486278 (VCV000486278.9), dbSNP rs1555594548, ClinGen allele CA400343722.
Genomic context (GRCh38, chr17:58,696,698, plus strand): 5'-ACACTACCTTAGATCATCATCATGATTTGGTTGTTTGTCATCTTTCTGTTGACAGTATGC[A>C]GTTGGCAGTAGATGTGCAGATACCAGAATGTTTTGGAGGAGTGGCAGGTGAAGCAGTTTT-3'
Protein context (NP_478123.1, residues 127-147): PGVGKTQLCM[Gln137Pro]LAVDVQIPEC

ClinVar aggregate classification (germline): Uncertain significance. Review status: criteria provided, multiple submitters, no conflicts (2 of 4 stars). 3 submissions from 3 submitters: Uncertain significance (3). Last evaluated 2024-11-18.

Conditions:
Fanconi anemia complementation group O. Also called: RAD51C-Related Fanconi Anemia. Identifiers: Orphanet 84, MedGen C3150653, MONDO:0013248, OMIM 613390.
Breast-ovarian cancer, familial, susceptibility to, 3. Also called: RAD51C-Related Breast/Ovarian Cancer. Identifiers: Orphanet 145, MedGen C3150659, MONDO:0013253, OMIM 613399.
Hereditary cancer-predisposing syndrome. Also called: Tumor predisposition; Neoplastic Syndromes, Hereditary; Hereditary Cancer Syndrome; Hereditary neoplastic syndrome. Identifiers: Orphanet 140162, MedGen C0027672, MeSH D009386, MONDO:0015356.

Submissions (3):

Labcorp Genetics (formerly Invitae), Labcorp
Classification: Uncertain significance for Fanconi anemia complementation group O. Last evaluated: 2024-11-18. Review status: criteria provided, single submitter. Criteria: Invitae Variant Classification Sherloc (09022015). Collection method: clinical testing. Allele origin: germline.
Comment: This sequence change replaces glutamine, which is neutral and polar, with proline, which is neutral and non-polar, at codon 137 of the RAD51C protein (p.Gln137Pro). This variant is not present in population databases (gnomAD no frequency). This variant has not been reported in the literature in individuals affected with RAD51C-related conditions. ClinVar contains an entry for this variant (Variation ID: 486278). Invitae Evidence Modeling of protein sequence and biophysical properties (such as structural, functional, and spatial information, amino acid conservation, physicochemical variation, residue mobility, and thermodynamic stability) indicates that this missense variant is expected to disrupt RAD51C protein function with a positive predictive value of 80%. In summary, the available evidence is currently insufficient to determine the role of this variant in disease. Therefore, it has been classified as a Variant of Uncertain Significance.

Ambry Genetics
Classification: Uncertain significance for Hereditary cancer-predisposing syndrome. Last evaluated: 2024-10-11. Review status: criteria provided, single submitter. Criteria: Ambry Variant Classification Scheme 2023. Collection method: clinical testing. Allele origin: germline.
Comment: The p.Q137P variant (also known as c.410A>C), located in coding exon 3 of the RAD51C gene, results from an A to C substitution at nucleotide position 410. The glutamine at codon 137 is replaced by proline, an amino acid with similar properties. This amino acid position is highly conserved in available vertebrate species. In addition, this alteration is predicted to be deleterious by in silico analysis. Since supporting evidence is limited at this time, the clinical significance of this alteration remains unclear.

Fulgent Genetics
Classification: Uncertain significance for Fanconi anemia complementation group O; Breast-ovarian cancer, familial, susceptibility to, 3. Last evaluated: 2024-01-20. Review status: criteria provided, single submitter. Criteria: ACMG Guidelines, 2015. Collection method: clinical testing. Allele origin: germline.